The following is an entry in ClinVar:

NM_005612.5(REST):c.2652C>T (p.Asn884=)

Gene: REST (RE1 silencing transcription factor; plus strand). Cytogenetic location: 4q12.
Variant type: single nucleotide variant.
Coding change: c.2652C>T on transcript NM_005612.5 (MANE Select); coding-DNA position 2652, C replaced by T.
Protein change: p.Asn884=; no amino-acid change (asparagine 884 retained).
Molecular consequence: synonymous variant.
Genome position (GRCh38, 1-based): chr4:56,931,510, C>T. VCF-style: chr4-56931510-C-T. GRCh37 (hg19) VCF-style: chr4-57797676-C-T.
Other names: c.2652C>T, p.Asn884= (NM_001193508.2, NM_001363453.3); c.2568C>T, p.Asn856= (NM_001440532.1, NM_001440533.1).
Identifiers: ClinVar variation 4822602 (VCV004822602.4).
Genomic context (GRCh38, chr4:56,931,510, plus strand): 5'-ACCACCACTGCCAAAGGAAAATTTAAGAGAAGAGGCATCAGGAGACCAAAAATTACTCAA[C>T]ACAGGTGAAGGAAATAAAGAAGCCCCTCTTCAGAAAGTAGGAGCAGAAGAGGCAGATGAG-3'
Protein context (NP_005603.3, residues 874-894): EEASGDQKLL[Asn884=]TGEGNKEAPL

ClinVar aggregate classification (germline): Likely benign (1 of 4 stars; one submission).

gnomAD v4.1: 2 of 1,614,158 alleles (0.00012%); highest among the groups gnomAD compares: Non-Finnish European, 0.00017%; no homozygotes.

Submission:

CeGaT Center for Human Genetics Tuebingen
Classification: Likely benign. Last evaluated: 2026-03-01. Review status: criteria provided, single submitter. Criteria: CeGaT Center For Human Genetics Tuebingen Variant Classification Criteria Version 2. Collection method: clinical testing. Allele origin: germline. Affected: yes. Observed: 1 variant allele.
Comment: REST: BP4, BP7